The following is an entry in ClinVar:

ClinVar aggregate classification (germline): Pathogenic (1 of 4 stars; one submission).

Conditions:
Galactosylceramide beta-galactosidase deficiency. Also called: GALACTOCEREBROSIDASE DEFICIENCY; GALC DEFICIENCY; GLOBOID CELL LEUKOENCEPHALOPATHY; Leukodystrophy, Globoid Cell; Krabbe Disease. Identifiers: Orphanet 487, MedGen C0023521, MONDO:0009499, OMIM 245200.

Submission:

Labcorp Genetics (formerly Invitae), Labcorp
Classification: Pathogenic for Galactosylceramide beta-galactosidase deficiency. Last evaluated: 2023-08-30. Review status: criteria provided, single submitter. Criteria: Invitae Variant Classification Sherloc (09022015). Collection method: clinical testing. Allele origin: germline.
Comment: This sequence change creates a premature translational stop signal (p.Thr455Hisfs*6) in the GALC gene. It is expected to result in an absent or disrupted protein product. Loss-of-function variants in GALC are known to be pathogenic (PMID: 7437911, 9272171, 16607461). This variant is not present in population databases (gnomAD no frequency). For these reasons, this variant has been classified as Pathogenic. This variant has not been reported in the literature in individuals affected with GALC-related conditions.

Literature cited by the submitters: PubMed 7437911; PubMed 9272171; PubMed 16607461.

NM_000153.4(GALC):c.1361dup (p.Thr455fs)

Gene: GALC (galactosylceramidase; minus strand). Cytogenetic location: 14q31.3.
Variant type: Duplication.
Coding change: c.1361dup on transcript NM_000153.4 (MANE Select); coding-DNA position 1361, one base duplicated (T; older notation c.1361dupT).
Protein change: p.Thr455fs; shifts the reading frame from threonine 455.
Molecular consequence: frameshift variant. On other transcripts: non-coding transcript variant (1).
Genome position (GRCh38, 1-based): chr14:87,947,856, A duplicated on the plus strand (T on the coding strand, the reverse complement: GALC is on the minus strand); the first of 3 consecutive A bases (chr14:87,947,856-87,947,858); duplicating any one gives the same sequence. VCF-style (leftmost placement, unchanged base first): chr14-87947855-G-GA. GRCh37 (hg19) VCF-style: chr14-88414199-G-GA.
Other names: c.1292dup, p.Thr432fs (NM_001201401.2); c.1283dup, p.Thr429fs (NM_001201402.2); c.1193dup, p.Thr399fs (NM_001424071.1, NM_001424072.1, NM_001424073.1); c.1013dup, p.Thr339fs (NM_001424074.1, NM_001424075.1); c.728dup, p.Thr244fs (NM_001424076.1, NM_001424077.1); short protein forms T399fs, T455fs, T432fs, T339fs, T244fs, T429fs.
Identifiers: ClinVar variation 2736140 (VCV002736140.3), dbSNP rs2503363555, ClinGen allele CA2575595088.